The following is an entry in ClinVar:

ClinVar aggregate classification (germline): Uncertain significance (1 of 4 stars; one submission).

Conditions:
Hereditary cancer-predisposing syndrome. Also called: Hereditary Cancer Syndrome; Hereditary neoplastic syndrome; Tumor predisposition; Neoplastic Syndromes, Hereditary. Identifiers: Orphanet 140162, MedGen C0027672, MeSH D009386, MONDO:0015356.
Cardiovascular phenotype. Identifiers: MedGen CN230736.

Submission:

Ambry Genetics
Classification: Uncertain significance for Cardiovascular phenotype; Hereditary cancer-predisposing syndrome. Last evaluated: 2024-07-29. Review status: criteria provided, single submitter. Criteria: Ambry Variant Classification Scheme 2023. Collection method: clinical testing. Allele origin: germline.
Comment: The p.Q771K variant (also known as c.2311C>A), located in coding exon 19 of the LZTR1 gene, results from a C to A substitution at nucleotide position 2311. The glutamine at codon 771 is replaced by lysine, an amino acid with similar properties. This amino acid position is conserved. In addition, this alteration is predicted to be tolerated by in silico analysis. Based on the available evidence, the clinical significance of this variant remains unclear.

NM_006767.4(LZTR1):c.2311C>A (p.Gln771Lys)

Gene: LZTR1 (leucine zipper like post translational regulator 1; plus strand). Cytogenetic location: 22q11.21.
Variant type: single nucleotide variant.
Coding change: c.2311C>A on transcript NM_006767.4 (MANE Select); coding-DNA position 2311, C replaced by A.
Protein change: p.Gln771Lys; replaces glutamine 771 with lysine.
Molecular consequence: missense variant.
Genome position (GRCh38, 1-based): chr22:20,996,787, C>A. VCF-style: chr22-20996787-C-A. GRCh37 (hg19) VCF-style: chr22-21351076-C-A.
Other names: short protein forms Q771K.
Identifiers: ClinVar variation 3541591 (VCV003541591.1).